The following is an entry in ClinVar:

ClinVar aggregate classification (germline): Uncertain significance (1 of 4 stars; one submission).

Allele frequency attached by ClinVar (database versions not stated): TOPMed below 0.00001.
gnomAD v4.1: 1 of 1,610,096 alleles (0.000062%); no homozygotes.

Submission:

Labcorp Genetics (formerly Invitae), Labcorp
Classification: Uncertain significance. Last evaluated: 2023-10-03. Review status: criteria provided, single submitter. Criteria: Invitae Variant Classification Sherloc (09022015). Collection method: clinical testing. Allele origin: germline.
Comment: This sequence change replaces serine, which is neutral and polar, with glycine, which is neutral and non-polar, at codon 5 of the SLC45A2 protein (p.Ser5Gly). This variant is not present in population databases (gnomAD no frequency). This variant has not been reported in the literature in individuals affected with SLC45A2-related conditions. ClinVar contains an entry for this variant (Variation ID: 1494195). Algorithms developed to predict the effect of missense changes on protein structure and function output the following: SIFT: "Not Available"; PolyPhen-2: "Benign"; Align-GVGD: "Not Available". The glycine amino acid residue is found in multiple mammalian species, which suggests that this missense change does not adversely affect protein function. In summary, the available evidence is currently insufficient to determine the role of this variant in disease. Therefore, it has been classified as a Variant of Uncertain Significance.

NM_016180.5(SLC45A2):c.13A>G (p.Ser5Gly)

Gene: SLC45A2 (solute carrier family 45 member 2; minus strand). Cytogenetic location: 5p13.2.
Variant type: single nucleotide variant.
Coding change: c.13A>G on transcript NM_016180.5 (MANE Select); coding-DNA position 13, A replaced by G.
Protein change: p.Ser5Gly; replaces serine 5 with glycine.
Molecular consequence: missense variant.
Genome position (GRCh38, 1-based): chr5:33,984,571, T>C on the plus strand (A>G on the coding strand, the complement: SLC45A2 is on the minus strand). VCF-style: chr5-33984571-T-C. GRCh37 (hg19) VCF-style: chr5-33984676-T-C.
Other names: c.13A>G, p.Ser5Gly (NM_001012509.4, NM_001297417.4); short protein forms S5G.
Identifiers: ClinVar variation 1494195 (VCV001494195.6), dbSNP rs891258556, ClinGen allele CA116903963.